The following is an entry in ClinVar:

ClinVar aggregate classification (germline): Likely pathogenic (1 of 4 stars; one submission).

Conditions:
Hereditary insensitivity to pain with anhidrosis (CIPA). Also called: HSAN Type IV; NTRK1 Congenital Insensitivity to Pain with Anhidrosis; hereditary sensory and autonomic neuropathy type 4; FAMILIAL DYSAUTONOMIA, TYPE II; NEUROPATHY, CONGENITAL SENSORY, WITH ANHIDROSIS; INSENSITIVITY TO PAIN, CONGENITAL, WITH ANHIDROSIS. Identifiers: Orphanet 642, MedGen C0020074, MONDO:0009746, OMIM 256800.

Submission:

Labcorp Genetics (formerly Invitae), Labcorp
Classification: Likely pathogenic for Hereditary insensitivity to pain with anhidrosis. Last evaluated: 2019-03-09. Review status: criteria provided, single submitter. Criteria: Invitae Variant Classification Sherloc (09022015). Collection method: clinical testing. Allele origin: germline.
Comment: This variant is a deletion of the genomic region encompassing exon 4 and part of exon 5 (c.359+227_433del) of the NTRK1 gene. It is expected to disrupt RNA splicing and likely results in an absent or disrupted protein product. This variant has not been reported in the literature in individuals with NTRK1-related conditions. Loss-of-function variants in NTRK1 are known to be pathogenic (PMID: 10982191). In summary, the currently available evidence indicates that the variant is pathogenic, but additional data are needed to prove that conclusively. Therefore, this variant has been classified as Likely Pathogenic.

NM_002529.4(NTRK1):c.359+227_433del

Gene: NTRK1 (neurotrophic receptor tyrosine kinase 1; plus strand). Cytogenetic location: 1q23.1.
Variant type: Deletion.
Coding change: c.359+227_433del on transcript NM_002529.4 (MANE Select); 227 bases into the intron after coding-DNA position 359 through coding-DNA position 433, 3,083 bases deleted.
Molecular consequence: splice acceptor variant, splice donor variant.
Genome position (GRCh38, 1-based): chr1:156,865,026-156,868,108, 3,083 bases deleted. GRCh37 (hg19): chr1:156,834,818-156,837,900.
Other names: c.269+227_343del (NM_001007792.1); c.359+227_433del (NM_001012331.2).
Identifiers: ClinVar variation 841216 (VCV000841216.1), ClinGen allele CA916080239.